The following is an entry in ClinVar:

ClinVar aggregate classification (germline): Uncertain significance. Review status: criteria provided, single submitter (1 of 4 stars). 3 submissions from 1 submitter: Uncertain significance (3). Last evaluated 2017-04-27.

Conditions:
Congenital multicore myopathy with external ophthalmoplegia (CMYO1B). Also called: MULTICORE MYOPATHY; Minicore myopathy with external ophthalmoplegia; Congenital myopathy 1B, autosomal recessive; Minicore myopathy; MULTIMINICORE DISEASE WITH EXTERNAL OPHTHALMOPLEGIA. Identifiers: Orphanet 598, Orphanet 98905, MedGen C1850674, MONDO:0009712, OMIM 255320, HP:0003789.
Malignant hyperthermia, susceptibility to, 1 (MHS1). Also called: Anesthesia related hyperthermia; Malignant hyperpyrexia; Fulminating hyperpyrexia; Pharmacogenic myopathy; RYR1-Related Malignant Hyperthermia Susceptibility; Malignant hyperthermia suceptibility 1. Identifiers: Orphanet 423, MedGen C2930980, MONDO:0007783, OMIM 145600.
Central core myopathy (CMYO1A). Also called: CONGENITAL MYOPATHY 1A, AUTOSOMAL DOMINANT, WITH SUSCEPTIBILITY TO MALIGNANT HYPERTHERMIA; Central core disease; Myopathy, central fibrillar. Identifiers: Orphanet 597, MedGen C5830701, MONDO:0007294, OMIM 117000.

Allele frequency attached by ClinVar (database versions not stated): gnomAD exomes below 0.00001 and 0.00001; ExAC 0.00001.
gnomAD v4.1: 9 of 1,614,064 alleles (0.00056%); highest among the groups gnomAD compares: Non-Finnish European, 0.00076%; no homozygotes.

Submissions (3):

Illumina Laboratory Services, Illumina
Classification: Uncertain significance for Central core myopathy. Last evaluated: 2017-04-27. Review status: criteria provided, single submitter. Criteria: ICSL Variant Classification Criteria 13 December 2019. Collection method: clinical testing. Allele origin: germline.

Illumina Laboratory Services, Illumina
Classification: Uncertain significance for Congenital multicore myopathy with external ophthalmoplegia. Last evaluated: 2017-04-27. Review status: criteria provided, single submitter. Criteria: ICSL Variant Classification Criteria 13 December 2019. Collection method: clinical testing. Allele origin: germline.

Illumina Laboratory Services, Illumina
Classification: Uncertain significance for Malignant hyperthermia, susceptibility to, 1. Last evaluated: 2017-04-27. Review status: criteria provided, single submitter. Criteria: ICSL Variant Classification Criteria 13 December 2019. Collection method: clinical testing. Allele origin: germline.
Comment: This variant was observed as part of a predisposition screen in an ostensibly healthy population. A literature search was performed for the gene, cDNA change, and amino acid change (where applicable). Publications were found based on this search. However, the evidence from the literature, in combination with allele frequency data from public databases where available, was not sufficient to rule this variant in or out of causing disease. Therefore, this variant is classified as a variant of unknown significance.

Literature cited by the submitters: PubMed 20681998.

NM_000540.3(RYR1):c.11623G>A (p.Ala3875Thr)

Gene: RYR1 (ryanodine receptor 1; plus strand). Cytogenetic location: 19q13.2.
Variant type: single nucleotide variant.
Coding change: c.11623G>A on transcript NM_000540.3 (MANE Select); coding-DNA position 11623, G replaced by A.
Protein change: p.Ala3875Thr; replaces alanine 3875 with threonine.
Molecular consequence: missense variant.
Genome position (GRCh38, 1-based): chr19:38,537,894, G>A. VCF-style: chr19-38537894-G-A. GRCh37 (hg19) VCF-style: chr19-39028534-G-A.
Other names: c.11608G>A, p.Ala3870Thr (NM_001042723.2); short protein forms A3875T, A3870T.
Identifiers: ClinVar variation 892621 (VCV000892621.4), dbSNP rs764309886, ClinGen allele CA057371.